The following is an entry in ClinVar:

ClinVar aggregate classification (germline): Pathogenic (1 of 4 stars; one submission).

Allele frequency attached by ClinVar (database versions not stated): gnomAD 0.00001.
gnomAD v4.1: 1 of 1,613,396 alleles (0.000062%); highest among the groups gnomAD compares: South Asian, 0.0011%; no homozygotes.

Submission:

Labcorp Genetics (formerly Invitae), Labcorp
Classification: Pathogenic. Last evaluated: 2022-03-19. Review status: criteria provided, single submitter. Criteria: Invitae Variant Classification Sherloc (09022015). Collection method: clinical testing. Allele origin: germline.
Comment: This sequence change creates a premature translational stop signal (p.Trp2*) in the DRAM2 gene. It is expected to result in an absent or disrupted protein product. Loss-of-function variants in DRAM2 are known to be pathogenic (PMID: 25983245). This variant is not present in population databases (gnomAD no frequency). This variant has not been reported in the literature in individuals affected with DRAM2-related conditions. For these reasons, this variant has been classified as Pathogenic.

Literature cited by the submitters: PubMed 25983245.

NM_001349884.2(DRAM2):c.5G>A (p.Trp2Ter)

Gene: DRAM2 (DNA damage regulated autophagy modulator 2; minus strand). Cytogenetic location: 1p13.3.
Variant type: single nucleotide variant.
Coding change: c.5G>A on transcript NM_001349884.2 (MANE Select); coding-DNA position 5, G replaced by A.
Protein change: p.Trp2Ter; replaces tryptophan 2 with a stop codon.
Molecular consequence: nonsense. On other transcripts: 5 prime UTR variant (8), non-coding transcript variant (8).
Genome position (GRCh38, 1-based): chr1:111,131,550, C>T on the plus strand (G>A on the coding strand, the complement: DRAM2 is on the minus strand). VCF-style: chr1-111131550-C-T. GRCh37 (hg19) VCF-style: chr1-111674172-C-T.
Other names: c.5G>A, p.Trp2Ter (NM_001349881.2, NM_001349882.2, NM_001349885.2 and 1 more transcripts); c.-154G>A (NM_001349886.2, NM_001349887.2, NM_001349888.2); c.-246G>A (NM_001349889.2, NM_001349890.2, NM_001349892.2 and 1 more transcripts); c.-414G>A (NM_001349891.2); short protein forms W2*.
Identifiers: ClinVar variation 1369252 (VCV001369252.6), dbSNP rs1652081123, ClinGen allele CA341819876.